The following is an entry in ClinVar:

NM_000257.4(MYH7):c.2587C>G (p.Leu863Val)

Genes: MYH7 (myosin heavy chain 7; minus strand), LOC126861898 (BRD4-independent group 4 enhancer GRCh37_chr14:23893609-23894808; plus strand). Cytogenetic location: 14q11.2.
Variant type: single nucleotide variant.
Coding change: c.2587C>G on transcript NM_000257.4 (MANE Select); coding-DNA position 2587, C replaced by G.
Protein change: p.Leu863Val; replaces leucine 863 with valine.
Molecular consequence: missense variant.
Genome position (GRCh38, 1-based): chr14:23,424,861, G>C on the plus strand (C>G on the coding strand, the complement: MYH7 is on the minus strand). VCF-style: chr14-23424861-G-C. GRCh37 (hg19) VCF-style: chr14-23894070-G-C.
Other names: c.2587C>G, p.Leu863Val (NM_001407004.1); short protein forms L863V.
Identifiers: ClinVar variation 3073466 (VCV003073466.1), dbSNP rs1595082485, ClinGen allele CA389048081.
Genomic context (GRCh38, chr14:23,424,861, plus strand): 5'-CCTGCAGCAGGGACACCATCTTCTCCTCCAGCTCCTTGCGGCGAGCCTCGGACTTCTCTA[G>C]CGCCTCTTTGAGGCGTGTGAACTCCTCCTTCATGGAGGCCATCTCCTTCTCTCTTTCTGC-3'
Protein context (NP_000248.2, residues 853-873): KEEFTRLKEA[Leu863Val]EKSEARRKEL

ClinVar aggregate classification (germline): Uncertain significance (1 of 4 stars; one submission).

Conditions:
Cardiomyopathy (CMYO). Also called: Cardiomyopathies. Identifiers: Orphanet 167848, MedGen C0878544, MONDO:0004994, HP:0001638. Inheritance: Various modes of inheritance.

Submission:

All of Us Research Program, National Institutes of Health
Classification: Uncertain significance for Cardiomyopathy. Last evaluated: 2023-09-17. Review status: criteria provided, single submitter. Criteria: ACMG Guidelines, 2015. Collection method: clinical testing. Allele origin: germline. Inheritance: Autosomal dominant inheritance. Observed: 1 variant allele, 1 heterozygote.
Comment: This missense variant replaces leucine with valine at codon 863 of the MYH7 protein. Computational prediction suggests that this variant may not impact protein structure and function (internally defined REVEL score threshold <= 0.5, PMID: 27666373). To our knowledge, functional studies have not been reported for this variant. This variant has not been reported in individuals affected with MYH7-related disorders in the literature. This variant has not been identified in the general population by the Genome Aggregation Database (gnomAD). The available evidence is insufficient to determine the role of this variant in disease conclusively. Therefore, this variant is classified as a Variant of Uncertain Significance.

This study involves interpretation of variants in research participants for the purpose of population health screening. Participant phenotype was not available at the time of variant classification. Additional details can be found in publication PMID: 35346344, PMCID: PMC8962531